The following is an entry in ClinVar:

NM_002471.4(MYH6):c.981C>T (p.Ser327=)

Gene: MYH6 (myosin heavy chain 6; minus strand). Cytogenetic location: 14q11.2.
Variant type: single nucleotide variant.
Coding change: c.981C>T on transcript NM_002471.4 (MANE Select); coding-DNA position 981, C replaced by T.
Protein change: p.Ser327=; no amino-acid change (serine 327 retained).
Molecular consequence: synonymous variant.
Genome position (GRCh38, 1-based): chr14:23,402,718, G>A on the plus strand (C>T on the coding strand, the complement: MYH6 is on the minus strand). VCF-style: chr14-23402718-G-A. GRCh37 (hg19) VCF-style: chr14-23871927-G-A.
Identifiers: ClinVar variation 178078 (VCV000178078.21), dbSNP rs148407931, ClinGen allele CA181349.
Genomic context (GRCh38, chr14:23,402,718, plus strand): 5'-TGGGGTCCCTCGAACGGCCGCAGCAGCCCCCTCACTCACATCGGTGGCCATGAGCTCCTC[G>A]GAGTCATCAATGGAGGCCACGGACACCTCTCCCTGAGACACGAAGGCGTAGTCGTAGGGA-3'
Protein context (NP_002462.2, residues 317-337): GEVSVASIDD[Ser327=]EELMATDSAF

ClinVar aggregate classification (germline): Benign/Likely benign. Review status: criteria provided, multiple submitters, no conflicts (2 of 4 stars). 7 submissions from 7 submitters: Benign (1); Likely benign (5). 1 of the submissions does not count toward it. Last evaluated 2026-05-18.

Conditions:
MYH6-related disorder. Also called: MYH6-related condition; MYH6-Related Disorders.
Cardiovascular phenotype. Identifiers: MedGen CN230736.
Hypertrophic cardiomyopathy 14. Identifiers: MedGen C2750467, MONDO:0013197, OMIM 613251.

Allele frequency attached by ClinVar (database versions not stated): gnomAD exomes 0.00008 and 0.00003; TOPMed 0.00040; ExAC 0.00011; 1000 Genomes Project 0.00020; gnomAD 0.00029; 1000 Genomes Project 30x 0.00016; ESP Exome Variant Server 0.00023.
gnomAD v4.1: 84 of 1,613,564 alleles (0.0052%); highest among the groups gnomAD compares: African/African-American, 0.084%; no homozygotes.

Submissions (7):

Women's Health and Genetics/Laboratory Corporation of America, LabCorp
Classification: Benign. Last evaluated: 2026-05-18. Review status: criteria provided, single submitter. Criteria: LabCorp Variant Classification Summary - May 2015. Collection method: clinical testing. Allele origin: germline.

Labcorp Genetics (formerly Invitae), Labcorp
Classification: Likely benign for Hypertrophic cardiomyopathy 14. Last evaluated: 2025-10-29. Review status: criteria provided, single submitter. Criteria: Invitae Variant Classification Sherloc (09022015). Collection method: clinical testing. Allele origin: germline.

GeneDx
Classification: Likely benign. Last evaluated: 2019-09-19. Review status: criteria provided, single submitter. Criteria: GeneDx Variant Classification Process June 2021. Collection method: clinical testing. Allele origin: germline. Affected: yes.

Ambry Genetics
Classification: Likely benign for Cardiovascular phenotype. Last evaluated: 2018-04-17. Review status: criteria provided, single submitter. Criteria: Ambry Variant Classification Scheme 2023. Collection method: clinical testing. Allele origin: germline.

Laboratory for Molecular Medicine, Mass General Brigham Personalized Medicine
Classification: Likely benign. Last evaluated: 2012-03-19. Review status: criteria provided, single submitter. Criteria: LMM Criteria. Collection method: clinical testing. Allele origin: germline. Observed: 1 variant allele.
Comment: Ser327Ser in exon 11 of MYH6: This variant is not expected to have clinical sign ificance because it does not alter an amino acid residue and is not located with in the splice consensus sequence. It has been identified in 0.1% (2/3738) of Afr ican American chromosomes from a broad population by the NHLBI Exome Sequencing Project (dbSNP rs148407931).

Breakthrough Genomics
Classification: Likely benign. Review status: criteria provided, single submitter. Criteria: ACMG Guidelines, 2015. Collection method: not provided. Allele origin: germline. Inheritance: Autosomal dominant inheritance. Affected: yes.

PreventionGenetics, part of Exact Sciences
Classification: Likely benign for MYH6-related condition. Last evaluated: 2020-09-03. Review status: no assertion criteria provided. Collection method: clinical testing. Allele origin: germline. Not counted in ClinVar's aggregate classification.
Comment: This variant is classified as likely benign based on ACMG/AMP sequence variant interpretation guidelines (Richards et al. 2015 PMID: 25741868, with internal and published modifications).